The following is an entry in ClinVar:

NM_144687.4(NLRP12):c.29T>C (p.Leu10Pro)

Gene: NLRP12 (NLR family pyrin domain containing 12; minus strand). Cytogenetic location: 19q13.42.
Variant type: single nucleotide variant.
Coding change: c.29T>C on transcript NM_144687.4 (MANE Select); coding-DNA position 29, T replaced by C.
Protein change: p.Leu10Pro; replaces leucine 10 with proline.
Molecular consequence: missense variant.
Genome position (GRCh38, 1-based): chr19:53,824,146, A>G on the plus strand (T>C on the coding strand, the complement: NLRP12 is on the minus strand). VCF-style: chr19-53824146-A-G. GRCh37 (hg19) VCF-style: chr19-54327400-A-G.
Other names: c.29T>C, p.Leu10Pro (NM_001277126.2, NM_001277129.1); short protein forms L10P.
Identifiers: ClinVar variation 1442965 (VCV001442965.14), dbSNP rs775129261, ClinGen allele CA9639857.

ClinVar aggregate classification (germline): Uncertain significance. Review status: criteria provided, multiple submitters, no conflicts (2 of 4 stars). 2 submissions from 2 submitters: Uncertain significance (2). Last evaluated 2025-10-23.

Conditions:
Familial cold autoinflammatory syndrome 2 (FCAS2). Identifiers: Orphanet 247868, MedGen C2673198, MONDO:0012724, OMIM 611762.

Allele frequency attached by ClinVar (database versions not stated): ExAC 0.00001; gnomAD exomes 0.00001; TOPMed 0.00002; gnomAD 0.00004.
gnomAD v4.1: 14 of 1,613,990 alleles (0.00087%); highest among the groups gnomAD compares: Non-Finnish European, 0.0012%; no homozygotes.

Submissions (2):

Labcorp Genetics (formerly Invitae), Labcorp
Classification: Uncertain significance for Familial cold autoinflammatory syndrome 2. Last evaluated: 2025-10-23. Review status: criteria provided, single submitter. Criteria: Invitae Variant Classification Sherloc (09022015). Collection method: clinical testing. Allele origin: germline.
Comment: This sequence change replaces leucine, which is neutral and non-polar, with proline, which is neutral and non-polar, at codon 10 of the NLRP12 protein (p.Leu10Pro). This variant is present in population databases (rs775129261, gnomAD 0.003%). This variant has not been reported in the literature in individuals affected with NLRP12-related conditions. ClinVar contains an entry for this variant (Variation ID: 1442965). An algorithm developed to predict the effect of missense changes on protein structure and function (PolyPhen-2) suggests that this variant is likely to be disruptive. In summary, the available evidence is currently insufficient to determine the role of this variant in disease. Therefore, it has been classified as a Variant of Uncertain Significance.

CeGaT Center for Human Genetics Tuebingen
Classification: Uncertain significance. Last evaluated: 2025-10-01. Review status: criteria provided, single submitter. Criteria: CeGaT Center For Human Genetics Tuebingen Variant Classification Criteria Version 2. Collection method: clinical testing. Allele origin: germline. Affected: yes. Observed: 1 variant allele.